The following is an entry in ClinVar:

ClinVar aggregate classification (germline): Uncertain significance (1 of 4 stars; one submission).

Conditions:
Gnathodiaphyseal dysplasia (GDD). Also called: GNATHODIAPHYSEAL SCLEROSIS; OSTEOGENESIS IMPERFECTA WITH UNUSUAL SKELETAL LESIONS. Identifiers: Orphanet 53697, MedGen C1833736, MONDO:0008151, OMIM 166260.
Autosomal recessive limb-girdle muscular dystrophy type 2L (LGMDR12). Also called: Limb-girdle muscular dystrophy, type 2L; MUSCULAR DYSTROPHY, LIMB-GIRDLE, AUTOSOMAL RECESSIVE 12; Limb-Girdle Muscular Dystrophy R12 Anoctamin-5-Related (LGMD-R12). Identifiers: Orphanet 206549, MedGen C1969785, MONDO:0012652, OMIM 611307.

gnomAD v4.1: 1 of 1,613,626 alleles (0.000062%); highest among the groups gnomAD compares: Non-Finnish European, 0.000085%; no homozygotes.

Submission:

Labcorp Genetics (formerly Invitae), Labcorp
Classification: Uncertain significance for Autosomal recessive limb-girdle muscular dystrophy type 2L; Gnathodiaphyseal dysplasia. Last evaluated: 2026-01-21. Review status: criteria provided, single submitter. Criteria: Invitae Variant Classification Sherloc (09022015). Collection method: clinical testing. Allele origin: germline.
Comment: This sequence change replaces serine, which is neutral and polar, with glycine, which is neutral and non-polar, at codon 178 of the ANO5 protein (p.Ser178Gly). This variant is not present in population databases (gnomAD no frequency). This variant has not been reported in the literature in individuals affected with ANO5-related conditions. Invitae Evidence Modeling of protein sequence and biophysical properties (such as structural, functional, and spatial information, amino acid conservation, physicochemical variation, residue mobility, and thermodynamic stability) indicates that this missense variant is not expected to disrupt ANO5 protein function with a negative predictive value of 80%. In summary, the available evidence is currently insufficient to determine the role of this variant in disease. Therefore, it has been classified as a Variant of Uncertain Significance.

NM_213599.3(ANO5):c.532A>G (p.Ser178Gly)

Gene: ANO5 (anoctamin 5; plus strand). Cytogenetic location: 11p14.3.
Variant type: single nucleotide variant.
Coding change: c.532A>G on transcript NM_213599.3 (MANE Select); coding-DNA position 532, A replaced by G.
Protein change: p.Ser178Gly; replaces serine 178 with glycine.
Molecular consequence: missense variant.
Genome position (GRCh38, 1-based): chr11:22,227,470, A>G. VCF-style: chr11-22227470-A-G. GRCh37 (hg19) VCF-style: chr11-22249016-A-G.
Other names: c.529A>G, p.Ser177Gly (NM_001142649.2); c.490A>G, p.Ser164Gly (NM_001410963.1, NM_001441298.1, NM_001441300.1); c.487A>G, p.Ser163Gly (NM_001410964.1, NM_001441299.1, NM_001441301.1); c.454A>G, p.Ser152Gly (NM_001441294.1); c.451A>G, p.Ser151Gly (NM_001441295.1); c.439A>G, p.Ser147Gly (NM_001441296.1, NM_001441302.1); c.412A>G, p.Ser138Gly (NM_001441297.1); short protein forms S163G, S177G, S164G, S147G, S152G, S138G, S151G, S178G.
Identifiers: ClinVar variation 4793841 (VCV004793841.1).